The following is an entry in ClinVar:

NM_025137.4(SPG11):c.1144C>T (p.Gln382Ter)

Gene: SPG11 (SPG11 vesicle trafficking associated, spatacsin; minus strand). Cytogenetic location: 15q21.1.
Variant type: single nucleotide variant.
Coding change: c.1144C>T on transcript NM_025137.4 (MANE Select); coding-DNA position 1144, C replaced by T.
Protein change: p.Gln382Ter; replaces glutamine 382 with a stop codon.
Molecular consequence: nonsense.
Genome position (GRCh38, 1-based): chr15:44,651,803, G>A on the plus strand (C>T on the coding strand, the complement: SPG11 is on the minus strand). VCF-style: chr15-44651803-G-A. GRCh37 (hg19) VCF-style: chr15-44944001-G-A.
Other names: c.1144C>T, p.Gln382Ter (NM_001160227.2, NM_001411132.1); short protein forms Q382*.
Identifiers: ClinVar variation 2843392 (VCV002843392.3), dbSNP rs772359178, ClinGen allele CA7535610.

ClinVar aggregate classification (germline): Pathogenic (1 of 4 stars; one submission).

Conditions:
Hereditary spastic paraplegia 11. Also called: Spastic Paraplegia 11; Spastic paraplegia, mental retardation and thin corpus callosum; SPASTIC PARAPLEGIA, AUTOSOMAL RECESSIVE, COMPLICATED, WITH THIN CORPUS CALLOSUM; SPASTIC PARAPLEGIA, AUTOSOMAL RECESSIVE, WITH MENTAL IMPAIRMENT AND THIN CORPUS CALLOSUM; Nakamura Osame syndrome; Autosomal recessive hereditary spastic paraplegia, mental impairment, and thin corpus callosum. Identifiers: Orphanet 2822, MedGen C1858479, MONDO:0011445, OMIM 604360.

Allele frequency attached by ClinVar (database versions not stated): TOPMed 0.00001; ExAC 0.00002; gnomAD 0.00002.

Submission:

Labcorp Genetics (formerly Invitae), Labcorp
Classification: Pathogenic for Hereditary spastic paraplegia 11. Last evaluated: 2023-03-07. Review status: criteria provided, single submitter. Criteria: Invitae Variant Classification Sherloc (09022015). Collection method: clinical testing. Allele origin: germline.
Comment: This sequence change creates a premature translational stop signal (p.Gln382*) in the SPG11 gene. It is expected to result in an absent or disrupted protein product. Loss-of-function variants in SPG11 are known to be pathogenic (PMID: 19105190, 20110243, 22154821, 26556829). This variant is present in population databases (rs772359178, gnomAD 0.01%). This variant has not been reported in the literature in individuals affected with SPG11-related conditions. For these reasons, this variant has been classified as Pathogenic.

Literature cited by the submitters: PubMed 19105190; PubMed 20110243; PubMed 22154821; PubMed 26556829.